The following is an entry in ClinVar:

ClinVar aggregate classification (germline): Uncertain significance. Review status: criteria provided, multiple submitters, no conflicts (2 of 4 stars). 3 submissions from 3 submitters: Uncertain significance (3). Last evaluated 2026-01-21.

Conditions:
Autosomal dominant familial hematuria-retinal arteriolar tortuosity-contractures syndrome. Also called: Hereditary Angiopathy with Nephropathy, Aneurysms, and Muscle Cramps (HANAC) Syndrome; Angiopathy, hereditary, with nephropathy, aneurysms, and muscle cramps. Identifiers: Orphanet 73229, MedGen C2673195, MONDO:0012726, OMIM 611773.
Retinal arterial tortuosity. Also called: Retinal arteries, tortuosity of; RETINAL HEMORRHAGE WITH VASCULAR TORTUOSITY. Identifiers: Orphanet 75326, MedGen C0423401, MONDO:0008373, OMIM 180000, HP:0000631.
Microangiopathy and leukoencephalopathy, pontine, autosomal dominant. Also called: Pontine autosomal dominant microangiopathy with leukoencephalopathy; DEMENTIA, HEREDITARY MULTI-INFARCT, SWEDISH TYPE. Identifiers: Orphanet 477749, MedGen C5231411, MONDO:0032814, OMIM 618564.
Brain small vessel disease 1 with or without ocular anomalies (BSVD1). Also called: PORENCEPHALY, TYPE 1, AUTOSOMAL DOMINANT; BRAIN SMALL VESSEL DISEASE WITH HEMORRHAGE; GOULD SYNDROME 1; Brain small vessel disease with or without ocular anomalies. Identifiers: Orphanet 2940, Orphanet 36383, Orphanet 99810, MedGen C4755307, MONDO:0008289, OMIM 175780.
Hemorrhage, intracerebral, susceptibility to (ICH). Also called: Stroke, hemorrhagic, susceptibility to. Identifiers: MedGen C3281105, MONDO:0100533, OMIM 614519.

Allele frequency attached by ClinVar (database versions not stated): ExAC 0.00003; gnomAD 0.00004 and 0.00005; gnomAD exomes 0.00005; TOPMed 0.00005.
gnomAD v4.1: 164 of 1,613,824 alleles (0.01%); highest among the groups gnomAD compares: Non-Finnish European, 0.013%; no homozygotes.

Submissions (3):

Labcorp Genetics (formerly Invitae), Labcorp
Classification: Uncertain significance. Last evaluated: 2026-01-21. Review status: criteria provided, single submitter. Criteria: Invitae Variant Classification Sherloc (09022015). Collection method: clinical testing. Allele origin: germline.
Comment: This sequence change replaces proline, which is neutral and non-polar, with alanine, which is neutral and non-polar, at codon 416 of the COL4A1 protein (p.Pro416Ala). This variant is present in population databases (rs773191976, gnomAD 0.01%). This missense change has been observed in individual(s) with clinical features of COL4A1-related conditions (PMID: 31719132). ClinVar contains an entry for this variant (Variation ID: 1503423). Invitae Evidence Modeling of protein sequence and biophysical properties (such as structural, functional, and spatial information, amino acid conservation, physicochemical variation, residue mobility, and thermodynamic stability) indicates that this missense variant is not expected to disrupt COL4A1 protein function with a negative predictive value of 95%. In summary, the available evidence is currently insufficient to determine the role of this variant in disease. Therefore, it has been classified as a Variant of Uncertain Significance.

Fulgent Genetics
Classification: Uncertain significance for Brain small vessel disease 1 with or without ocular anomalies; Retinal arterial tortuosity; Autosomal dominant familial hematuria-retinal arteriolar tortuosity-contractures syndrome; Hemorrhage, intracerebral, susceptibility to; Microangiopathy and leukoencephalopathy, pontine, autosomal dominant. Last evaluated: 2024-02-29. Review status: criteria provided, single submitter. Criteria: ACMG Guidelines, 2015. Collection method: clinical testing. Allele origin: germline.

GeneDx
Classification: Uncertain significance. Last evaluated: 2023-10-19. Review status: criteria provided, single submitter. Criteria: GeneDx Variant Classification Process June 2021. Collection method: clinical testing. Allele origin: germline. Affected: yes.
Comment: In silico analysis supports that this missense variant has a deleterious effect on protein structure/function; Occurs in the triple helical domain at the Y position in the canonical Gly-X-Y repeat; although this variant may have an effect on normal protein folding and function, missense substitution at the Y position is not a common mechanism of disease; This variant is associated with the following publications: (PMID: 31719132)

Literature cited by the submitters: PubMed 31719132 (cited by Labcorp Genetics (formerly Invitae), Labcorp).

NM_001845.6(COL4A1):c.1246C>G (p.Pro416Ala)

Gene: COL4A1 (collagen type IV alpha 1 chain; minus strand). Cytogenetic location: 13q34.
Variant type: single nucleotide variant.
Coding change: c.1246C>G on transcript NM_001845.6 (MANE Select); coding-DNA position 1246, C replaced by G.
Protein change: p.Pro416Ala; replaces proline 416 with alanine.
Molecular consequence: missense variant.
Genome position (GRCh38, 1-based): chr13:110,198,506, G>C on the plus strand (C>G on the coding strand, the complement: COL4A1 is on the minus strand). VCF-style: chr13-110198506-G-C. GRCh37 (hg19) VCF-style: chr13-110850853-G-C.
Other names: c.1246C>G, p.Pro416Ala (NM_001303110.2); c.1246C>G (NM_001845.4); short protein forms P416A.
Identifiers: ClinVar variation 1503423 (VCV001503423.8), dbSNP rs773191976, ClinGen allele CA7048017.
Genomic context (GRCh38, chr13:110,198,506, plus strand): 5'-ACCATTTCTGAGGGAACTCACTTGTGTAGCCAGGCTGCCCAGGGGGCCCAGGGGAACCAG[G>C]AGGACCCGGGAGCCCATCTCTTCCACTTGGTCCTGGCAGAGATGTACCAGGAAATCCTCG-3'
Protein context (NP_001836.3, residues 406-426): PSGRDGLPGP[Pro416Ala]GSPGPPGQPG